The following is an entry in ClinVar:

ClinVar aggregate classification (germline): Pathogenic (1 of 4 stars; one submission).

Conditions:
Spastic paraplegia. Identifiers: MedGen C0037772, HP:0001258.

Submission:

Labcorp Genetics (formerly Invitae), Labcorp
Classification: Pathogenic for Spastic paraplegia. Last evaluated: 2023-07-09. Review status: criteria provided, single submitter. Criteria: Invitae Variant Classification Sherloc (09022015). Collection method: clinical testing. Allele origin: germline.
Comment: For these reasons, this variant has been classified as Pathogenic. This variant disrupts a region of the SACS protein in which other variant(s) (p.Tyr4538*) have been determined to be pathogenic (Invitae). This suggests that this is a clinically significant region of the protein, and that variants that disrupt it are likely to be disease-causing. This variant has not been reported in the literature in individuals affected with SACS-related conditions. This variant is not present in population databases (gnomAD no frequency). This sequence change creates a premature translational stop signal (p.Glu1828*) in the SACS gene. While this is not anticipated to result in nonsense mediated decay, it is expected to disrupt the last 2752 amino acid(s) of the SACS protein.

NM_014363.6(SACS):c.5482G>T (p.Glu1828Ter)

Gene: SACS (sacsin molecular chaperone; minus strand). Cytogenetic location: 13q12.12.
Variant type: single nucleotide variant.
Coding change: c.5482G>T on transcript NM_014363.6 (MANE Select); coding-DNA position 5482, G replaced by T.
Protein change: p.Glu1828Ter; replaces glutamic acid 1828 with a stop codon.
Molecular consequence: nonsense.
Genome position (GRCh38, 1-based): chr13:23,338,394, C>A on the plus strand (G>T on the coding strand, the complement: SACS is on the minus strand). VCF-style: chr13-23338394-C-A. GRCh37 (hg19) VCF-style: chr13-23912533-C-A.
Other names: c.5041G>T, p.Glu1681Ter (NM_001278055.2); short protein forms E1681*, E1828*.
Identifiers: ClinVar variation 2885426 (VCV002885426.3), dbSNP rs1279216400, ClinGen allele CA387525570.